The following is an entry in ClinVar:

NM_001271938.2(MEGF8):c.6032T>C (p.Met2011Thr)

Gene: MEGF8 (multiple EGF like domains 8; plus strand). Cytogenetic location: 19q13.2.
Variant type: single nucleotide variant.
Coding change: c.6032T>C on transcript NM_001271938.2 (MANE Select); coding-DNA position 6032, T replaced by C.
Protein change: p.Met2011Thr; replaces methionine 2011 with threonine.
Molecular consequence: missense variant.
Genome position (GRCh38, 1-based): chr19:42,362,571, T>C. VCF-style: chr19-42362571-T-C. GRCh37 (hg19) VCF-style: chr19-42866723-T-C.
Other names: c.5831T>C, p.Met1944Thr (NM_001410.3); short protein forms M1944T, M2011T.
Identifiers: ClinVar variation 4859875 (VCV004859875.1).

ClinVar aggregate classification (germline): Uncertain significance (1 of 4 stars; one submission).

Conditions:
Inborn genetic diseases. Identifiers: MedGen C0950123, MeSH D030342.

Submission:

Ambry Genetics
Classification: Uncertain significance for Inborn genetic diseases. Last evaluated: 2026-05-26. Review status: criteria provided, single submitter. Criteria: Ambry Variant Classification Scheme 2023. Collection method: clinical testing. Allele origin: germline.
Comment: The c.5831T>C (p.M1944T) alteration is located in exon 33 (coding exon 33) of the MEGF8 gene. This alteration results from a T to C substitution at nucleotide position 5831, causing the methionine (M) at amino acid position 1944 to be replaced by a threonine (T). Based on data from gnomAD, the C allele has an overall frequency of <0.001% (1/249808) total alleles studied. The highest observed frequency was 0.001% (1/113008) of European (non-Finnish) alleles. Based on insufficient or conflicting evidence, the clinical significance of this alteration remains unclear.